The following is an entry in ClinVar:

NM_005045.4(RELN):c.7595T>C (p.Leu2532Pro)

Gene: RELN (reelin; minus strand). Cytogenetic location: 7q22.1.
Variant type: single nucleotide variant.
Coding change: c.7595T>C on transcript NM_005045.4 (MANE Select); coding-DNA position 7595, T replaced by C.
Protein change: p.Leu2532Pro; replaces leucine 2532 with proline.
Molecular consequence: missense variant.
Genome position (GRCh38, 1-based): chr7:103,522,095, A>G on the plus strand (T>C on the coding strand, the complement: RELN is on the minus strand). VCF-style: chr7-103522095-A-G. GRCh37 (hg19) VCF-style: chr7-103162542-A-G.
Other names: c.7595T>C, p.Leu2532Pro (NM_173054.3); short protein forms L2532P.
Identifiers: ClinVar variation 423913 (VCV000423913.2), dbSNP rs1064796697, ClinGen allele CA16618342.
Genomic context (GRCh38, chr7:103,522,095, plus strand): 5'-AGAGCCATTCCCGACGCCACGGCTCCACACACTGTACTCAATTTCCCTCCGTTCACAGTC[A>G]GCCAGTTCTGACTGGATGGAGCTCGATTGAAGTTGTCTTTGAGTTGGGTTGGAAGAGAGG-3'
Protein context (NP_005036.2, residues 2522-2542): FNRAPSSQNW[Leu2532Pro]TVNGGKLSTV

ClinVar aggregate classification (germline): Uncertain significance (1 of 4 stars; one submission).

Allele frequency attached by ClinVar (database versions not stated): gnomAD exomes 0.00001.
gnomAD v4.1: 3 of 1,614,122 alleles (0.00019%); highest among the groups gnomAD compares: Non-Finnish European, 0.00025%; no homozygotes.

Submission:

GeneDx
Classification: Uncertain significance. Last evaluated: 2017-03-02. Review status: criteria provided, single submitter. Criteria: GeneDx Variant Classification (06012015). Collection method: clinical testing. Allele origin: germline. Affected: yes.
Comment: A variant of uncertain significance has been identified in the RELN gene. The L2532P variant has not been published as a pathogenic variant, nor has it been reported as a benign variant to our knowledge. The L2532P variant is not observed in large population cohorts (Lek et al., 2016; 1000 Genomes Consortium et al., 2015; Exome Variant Server). The L2532P variant is a semi-conservative amino acid substitution, which may impact secondary protein structure as these residues differ in some properties. This substitution occurs at a position that is conserved in mammals. In silico analysis is inconsistent in its predictions as to whether or not the variant is damaging to the protein structure/function. Based on the currently available information, it is unclear whether this variant is a pathogenic variant or a rare benign variant.